The following is an entry in ClinVar:

ClinVar aggregate classification (germline): Pathogenic/Likely pathogenic. Review status: criteria provided, multiple submitters, no conflicts (2 of 4 stars). 2 submissions from 2 submitters: Pathogenic (1); Likely pathogenic (1). Last evaluated 2023-12-18.

Conditions:
RPGR-related disorder. Also called: RPGR-related condition.
Primary ciliary dyskinesia. Also called: Ciliary dyskinesia. Identifiers: Orphanet 244, MedGen C0008780, MONDO:0016575, HP:0012265.

Submissions (2):

Labcorp Genetics (formerly Invitae), Labcorp
Classification: Pathogenic for Primary ciliary dyskinesia. Last evaluated: 2023-12-18. Review status: criteria provided, single submitter. Criteria: Invitae Variant Classification Sherloc (09022015). Collection method: clinical testing. Allele origin: germline.
Comment: This sequence change creates a premature translational stop signal (p.Glu240*) in the RPGR gene. It is expected to result in an absent or disrupted protein product. Loss-of-function variants in RPGR are known to be pathogenic (PMID: 16055928, 16969763). This variant is not present in population databases (gnomAD no frequency). This variant has not been reported in the literature in individuals affected with RPGR-related conditions. For these reasons, this variant has been classified as Pathogenic.

Blueprint Genetics
Classification: Likely pathogenic for RPGR-related disorders. Last evaluated: 2021-12-14. Review status: criteria provided, single submitter. Criteria: ACMG Guidelines, 2015. Collection method: clinical testing. Allele origin: germline. Affected: yes. Observed: 1 variant allele.

Literature cited by the submitters: PubMed 16055928 (cited by Labcorp Genetics (formerly Invitae), Labcorp); PubMed 16969763 (cited by Labcorp Genetics (formerly Invitae), Labcorp).

NM_001034853.2(RPGR):c.718G>T (p.Glu240Ter)

Gene: RPGR (retinitis pigmentosa GTPase regulator; minus strand). Cytogenetic location: Xp11.4.
Variant type: single nucleotide variant.
Coding change: c.718G>T on transcript NM_001034853.2 (MANE Select); coding-DNA position 718, G replaced by T.
Protein change: p.Glu240Ter; replaces glutamic acid 240 with a stop codon.
Molecular consequence: nonsense. On other transcripts: non-coding transcript variant (6).
Genome position (GRCh38, 1-based): chrX:38,310,675, C>A on the plus strand (G>T on the coding strand, the complement: RPGR is on the minus strand). VCF-style: chrX-38310675-C-A. GRCh37 (hg19) VCF-style: chrX-38169928-C-A.
Other names: c.718G>T, p.Glu240Ter (NM_000328.3, NM_001367246.1, NM_001367247.1 and 1 more transcripts); c.715G>T, p.Glu239Ter (NM_001367245.1, NM_001367249.1, NM_001367250.1); c.748G>T, p.Glu250Ter (NM_001367248.1); short protein forms E240*, E250*, E239*.
Identifiers: ClinVar variation 2703816 (VCV002703816.4), dbSNP rs2519865852, ClinGen allele CA412742713.